The following is an entry in ClinVar:

ClinVar aggregate classification (germline): Pathogenic (1 of 4 stars; one submission).

Conditions:
Bardet-Biedl syndrome (BBS). Identifiers: Orphanet 110, MedGen C0752166, MONDO:0015229.

Submission:

Labcorp Genetics (formerly Invitae), Labcorp
Classification: Pathogenic for Bardet-Biedl syndrome. Last evaluated: 2026-01-25. Review status: criteria provided, single submitter. Criteria: Invitae Variant Classification Sherloc (09022015). Collection method: clinical testing. Allele origin: germline.
Comment: This sequence change creates a premature translational stop signal (p.Phe526Serfs*3) in the BBS7 gene. It is expected to result in an absent or disrupted protein product. Loss-of-function variants in BBS7 are known to be pathogenic (PMID: 12567324, 19402160, 21209035, 31196119). This variant is not present in population databases (gnomAD no frequency). This variant has not been reported in the literature in individuals affected with BBS7-related conditions. For these reasons, this variant has been classified as Pathogenic.

Literature cited by the submitters: PubMed 12567324; PubMed 19402160; PubMed 21209035; PubMed 31196119.

NM_176824.3(BBS7):c.1575_1579del (p.Phe526fs)

Gene: BBS7 (Bardet-Biedl syndrome 7; minus strand). Cytogenetic location: 4q27.
Variant type: Deletion.
Coding change: c.1575_1579del on transcript NM_176824.3 (MANE Select); coding-DNA positions 1575 to 1579, 5 bases deleted (TTTTT; older notation c.1575_1579delTTTTT).
Protein change: p.Phe526fs; shifts the reading frame from phenylalanine 526.
Molecular consequence: frameshift variant.
Genome position (GRCh38, 1-based): chr4:121,833,328-121,833,332, AAAAA deleted on the plus strand (TTTTT on the coding strand, the reverse complement: BBS7 is on the minus strand); deleting any 5 consecutive bases within chr4:121,833,328-121,833,333 gives the same sequence; the c. name uses the placement nearest the transcript's 3' end. VCF-style (leftmost placement, unchanged base first): chr4-121833327-CAAAAA-C. GRCh37 (hg19) VCF-style: chr4-122754482-CAAAAA-C.
Other names: c.1575_1579del, p.Phe526fs (NM_018190.4); short protein forms F526fs.
Identifiers: ClinVar variation 4745883 (VCV004745883.2).
Genomic context (GRCh38, chr4:121,833,327, plus strand): 5'-TTCTGAAAGTAAAATGTCACACATTCTCCTGCTGGAGGTTTTTCTGGAACTTCAGGCAGA[CAAAAA>C]ACCACCCAGGAGTGAACTTCAGCAAAACTGAACTGGCCTGTTAGGGTCAGTGTATTCATG-3'